The following is an entry in ClinVar:

ClinVar aggregate classification (germline): Uncertain significance (1 of 4 stars; one submission).

gnomAD v4.1: 12 of 1,613,926 alleles (0.00074%); highest among the groups gnomAD compares: African/African-American, 0.004%; no homozygotes.

Submission:

GeneDx
Classification: Uncertain significance. Last evaluated: 2024-05-07. Review status: criteria provided, single submitter. Criteria: GeneDx Variant Classification Process June 2021. Collection method: clinical testing. Allele origin: germline. Affected: yes.
Comment: Not observed at significant frequency in large population cohorts (gnomAD); In silico analysis indicates that this missense variant does not alter protein structure/function; Has not been previously published as pathogenic or benign to our knowledge

NM_018993.4(RIN2):c.1421C>A (p.Ala474Glu)

Gene: RIN2 (Ras and Rab interactor 2; plus strand). Cytogenetic location: 20p11.23.
Variant type: single nucleotide variant.
Coding change: c.1421C>A on transcript NM_018993.4 (MANE Select); coding-DNA position 1421, C replaced by A.
Protein change: p.Ala474Glu; replaces alanine 474 with glutamic acid.
Molecular consequence: missense variant.
Genome position (GRCh38, 1-based): chr20:19,975,446, C>A. VCF-style: chr20-19975446-C-A. GRCh37 (hg19) VCF-style: chr20-19956090-C-A.
Other names: c.1568C>A, p.Ala523Glu (NM_001242581.2); c.803C>A, p.Ala268Glu (NM_001378238.1); short protein forms A268E, A474E, A523E.
Identifiers: ClinVar variation 3375556 (VCV003375556.1).